The following is an entry in ClinVar:

ClinVar aggregate classification (germline): Conflicting classifications of pathogenicity. Review status: criteria provided, conflicting classifications (1 of 4 stars). 6 submissions from 6 submitters: Uncertain significance (5); Likely benign (1). Last evaluated 2026-03-12.

Conditions:
Hereditary cancer-predisposing syndrome. Also called: Hereditary Cancer Syndrome; Tumor predisposition; Neoplastic Syndromes, Hereditary; Hereditary neoplastic syndrome. Identifiers: Orphanet 140162, MedGen C0027672, MeSH D009386, MONDO:0015356.
Tuberous sclerosis 2 (TSC2). Identifiers: Orphanet 805, MedGen C1860707, MONDO:0013199, OMIM 613254.
Tuberous sclerosis syndrome (TSC). Also called: Tuberous sclerosis; Tuberous Sclerosis Complex. Identifiers: Orphanet 805, MedGen C0041341, MONDO:0001734.

Allele frequency attached by ClinVar (database versions not stated): gnomAD exomes below 0.00001.
gnomAD v4.1: 1 of 1,612,970 alleles (0.000062%); highest among the groups gnomAD compares: Non-Finnish European, 0.000085%; no homozygotes.

Submissions (6):

Ambry Genetics
Classification: Uncertain significance for Hereditary cancer-predisposing syndrome. Last evaluated: 2026-03-12. Review status: criteria provided, single submitter. Criteria: Ambry Variant Classification Scheme 2023. Collection method: clinical testing. Allele origin: germline.

Labcorp Genetics (formerly Invitae), Labcorp
Classification: Likely benign for Tuberous sclerosis 2. Last evaluated: 2025-10-20. Review status: criteria provided, single submitter. Criteria: Invitae Variant Classification Sherloc (09022015). Collection method: clinical testing. Allele origin: germline.

GeneDx
Classification: Uncertain significance. Last evaluated: 2023-12-05. Review status: criteria provided, single submitter. Criteria: GeneDx Variant Classification Process June 2021. Collection method: clinical testing. Allele origin: germline. Affected: yes.
Comment: In silico analysis supports that this missense variant has a deleterious effect on protein structure/function; Has not been previously published as pathogenic or benign to our knowledge

All of Us Research Program, National Institutes of Health
Classification: Uncertain significance for Tuberous sclerosis syndrome. Last evaluated: 2023-10-02. Review status: criteria provided, single submitter. Criteria: ACMG Guidelines, 2015. Collection method: clinical testing. Allele origin: germline. Inheritance: Autosomal dominant inheritance. Observed: 4 variant alleles, 4 heterozygotes.
Comment: This missense variant replaces tryptophan with serine at codon 1740 of the TSC2 protein. Computational prediction suggests that this variant may have deleterious impact on protein structure and function (internally defined REVEL score threshold >= 0.7, PMID: 27666373). To our knowledge, functional studies have not been reported for this variant. This variant has not been reported in individuals affected with TSC2-related disorders in the literature. This variant has been identified in 1/250280 chromosomes in the general population by the Genome Aggregation Database (gnomAD). The available evidence is insufficient to determine the role of this variant in disease conclusively. Therefore, this variant is classified as a Variant of Uncertain Significance.

This study involves interpretation of variants in research participants for the purpose of population health screening. Participant phenotype was not available at the time of variant classification. Additional details can be found in publication PMID: 35346344, PMCID: PMC8962531

Sema4
Classification: Uncertain significance for Hereditary cancer-predisposing syndrome. Last evaluated: 2022-02-15. Review status: criteria provided, single submitter. Criteria: Sema4 Curation Guidelines. Collection method: curation. Allele origin: germline.
Comment: The TSC2 c.5219G>C (p.W1740S) variant has not been reported in the literature to our knowledge. It was observed in 1/112836 chromosomes of the Non-Finnish European (NFE) subpopulation in the large and broad cohorts of the Genome Aggregation Database (PMID: 32461654). This variant has been reported in ClinVar (Variation ID 825558). In silico tools suggest the impact of the variant on protein function is deleterious, though these predictions have not been confirmed by functional studies. The evidence is insufficient to meet ACMG/AMP criteria for classifying the variant as benign or pathogenic. Thus, the clinical significance of this variant is currently uncertain.

Genome-Nilou Lab
Classification: Uncertain significance for Tuberous sclerosis 2. Last evaluated: 2021-11-07. Review status: criteria provided, single submitter. Criteria: ACMG Guidelines, 2015. Collection method: clinical testing. Allele origin: germline. Affected: no.

NM_000548.5(TSC2):c.5219G>C (p.Trp1740Ser)

Gene: TSC2 (TSC complex subunit 2; plus strand). Cytogenetic location: 16p13.3.
Variant type: single nucleotide variant.
Coding change: c.5219G>C on transcript NM_000548.5 (MANE Select); coding-DNA position 5219, G replaced by C.
Protein change: p.Trp1740Ser; replaces tryptophan 1740 with serine.
Molecular consequence: missense variant.
Genome position (GRCh38, 1-based): chr16:2,088,285, G>C. VCF-style: chr16-2088285-G-C. GRCh37 (hg19) VCF-style: chr16-2138286-G-C.
Other names: c.5018G>C, p.Trp1673Ser (NM_001077183.3); c.5150G>C, p.Trp1717Ser (NM_001114382.3); c.4910G>C, p.Trp1637Ser (NM_001318827.2); c.4874G>C, p.Trp1625Ser (NM_001318829.2); c.4487G>C, p.Trp1496Ser (NM_001318831.2); c.5051G>C, p.Trp1684Ser (NM_001318832.2); c.5021G>C, p.Trp1674Ser (NM_001363528.2); c.5087G>C, p.Trp1696Ser (NM_001370404.1); and 2 more; short protein forms W1693S, W1740S, W1674S, W1684S, W1696S, W1637S, W1697S, W1496S.
Identifiers: ClinVar variation 825558 (VCV000825558.21), dbSNP rs137854219, ClinGen allele CA394314459.